The following is an entry in ClinVar:

NM_177559.3(CSNK2A1):c.785A>G (p.Asn262Ser)

Gene: CSNK2A1 (casein kinase 2 alpha 1; minus strand). Cytogenetic location: 20p13.
Variant type: single nucleotide variant.
Coding change: c.785A>G on transcript NM_177559.3 (MANE Select); coding-DNA position 785, A replaced by G.
Protein change: p.Asn262Ser; replaces asparagine 262 with serine.
Molecular consequence: missense variant.
Genome position (GRCh38, 1-based): chr20:488,717, T>C on the plus strand (A>G on the coding strand, the complement: CSNK2A1 is on the minus strand). VCF-style: chr20-488717-T-C. GRCh37 (hg19) VCF-style: chr20-469361-T-C.
Other names: c.785A>G, p.Asn262Ser (NM_001362770.2, NM_001362771.2, NM_001895.4); c.377A>G, p.Asn126Ser (NM_177560.3); short protein forms N126S, N262S.
Identifiers: ClinVar variation 3898893 (VCV003898893.1).

ClinVar aggregate classification (germline): Uncertain significance (1 of 4 stars; one submission).

Submission:

GeneDx
Classification: Uncertain significance. Last evaluated: 2024-11-06. Review status: criteria provided, single submitter. Criteria: GeneDx Variant Classification Process June 2021. Collection method: clinical testing. Allele origin: germline. Affected: yes.
Comment: Not observed at significant frequency in large population cohorts (gnomAD); In silico analysis indicates that this missense variant does not alter protein structure/function; Has not been previously published as pathogenic or benign to our knowledge